The following is an entry in ClinVar:

NC_000017.11:g.(?_43090924)_(43115799_?)dup

Gene: BRCA1 (BRCA1 DNA repair associated; minus strand). Cytogenetic location: 17q21.31.
Variant type: Duplication.
Identifiers: ClinVar variation 831869 (VCV000831869.3).

ClinVar aggregate classification (germline): Likely pathogenic (1 of 4 stars; one submission).

Conditions:
Hereditary breast ovarian cancer syndrome. Also called: Hereditary breast and/or ovarian cancer syndrome; Hereditary breast and ovarian cancer syndrome (HBOC); Breast and ovarian cancer; Hereditary breast and ovarian cancer; BRCA1- and BRCA2-Associated Hereditary Breast and Ovarian Cancer; Hereditary breast and ovarian cancer syndrome. Identifiers: Orphanet 145, MedGen C0677776, MeSH D061325, MONDO:0003582. Disease mechanism: loss of function.

Submission:

Labcorp Genetics (formerly Invitae), Labcorp
Classification: Likely pathogenic for Hereditary breast ovarian cancer syndrome. Last evaluated: 2022-08-31. Review status: criteria provided, single submitter. Criteria: Invitae Variant Classification Sherloc (09022015). Collection method: clinical testing. Allele origin: germline.
Comment: A similar copy number variant has been observed in individual(s) with breast cancer (PMID: 30054569). In summary, the currently available evidence indicates that the variant is pathogenic, but additional data are needed to prove that conclusively. Therefore, this variant has been classified as Likely Pathogenic. This variant results in a copy number gain of the genomic region encompassing exon(s) 3-11 of the BRCA1 gene. While the exact position of this variant cannot be determined from the data, sub-genic copy number gains are generally in tandem (PMID: 25640679). This variant is predicted to be out-of-frame, and may result in an absent or disrupted protein product. Loss-of-function variants in BRCA1 are known to be pathogenic (PMID: 20104584).

Literature cited by the submitters: PubMed 30054569; PubMed 25640679; PubMed 20104584.